The following is an entry in ClinVar:

ClinVar aggregate classification (germline): Pathogenic/Likely pathogenic. Review status: criteria provided, multiple submitters, no conflicts (2 of 4 stars). 13 submissions from 13 submitters: Pathogenic (6); Likely pathogenic (6). 1 of the submissions does not count toward it. Last evaluated 2026-01-05.

Conditions:
Intellectual disability. Also called: Intellectual developmental disorder; Intellectual functioning disability; intellectual disabilities. Identifiers: MedGen C3714756, MeSH D008607, MONDO:0001071, HP:0001249.
Neurodevelopmental disorder with or without hyperkinetic movements and seizures, autosomal dominant. Also called: Intellectual disability, autosomal dominant 8. Identifiers: MedGen C3280282, MONDO:0013655, OMIM 614254.
Neurodevelopmental disorder with or without hyperkinetic movements and seizures, autosomal recessive. Identifiers: MedGen C4693325, MONDO:0060629, OMIM 617820.
Inborn genetic diseases. Identifiers: MedGen C0950123, MeSH D030342.

Submissions (13):

3billion
Classification: Pathogenic for Neurodevelopmental disorder with or without hyperkinetic movements and seizures, autosomal dominant. Last evaluated: 2026-01-05. Review status: criteria provided, single submitter. Criteria: ACMG Guidelines, 2015. Collection method: clinical testing. Allele origin: germline. Affected: yes.
Comment: The variant is not observed in the gnomAD v4.1.0 dataset. Predicted Consequence/Location: Missense variant. Missense changes are a common disease-causing mechanism. In silico tool predictions suggest damaging effect of the variant on gene or gene product [REVEL: 0.68 (>=0.6, sensitivity 0.68 and specificity 0.92); 3Cnet: 0.83 (> 0.75, sensitivity 0.96 and precision 0.92)]. The same nucleotide change resulting in the same amino acid change has been previously reported as pathogenic/likely pathogenic with strong evidence (ClinVar ID: VCV000521354 /PMID: 27159321). A different missense change at the same codon (p.Arg844Leu) has been reported as pathogenic/likely pathogenic with strong evidence (ClinVar ID: VCV000598966 /PMID: 30755392). Therefore, this variant is classified as Pathogenic according to the recommendation of ACMG/AMP guideline.

Ambry Genetics
Classification: Pathogenic for Inborn genetic diseases. Last evaluated: 2025-08-12. Review status: criteria provided, single submitter. Criteria: Ambry Variant Classification Scheme 2023. Collection method: clinical testing. Allele origin: germline.
Comment: The c.2530C>T (p.R844C) alteration is located in exon 18 (coding exon 18) of the GRIN1 gene. This alteration results from a C to T substitution at nucleotide position 2530, causing the arginine (R) at amino acid position 844 to be replaced by a cysteine (C). for autosomal dominant GRIN1-related neurodevelopmental disorder; however, its clinical significance for autosomal recessive GRIN1-related neurodevelopmental disorder is uncertain. This variant was not reported in population-based cohorts in the Genome Aggregation Database (gnomAD). This variant was reported in individuals with features consistent with autosomal dominant GRIN1-related neurodevelopmental disorder; in at least one individual, it was determined to be de novo (Lemke, 2016; Vanderver, 2016; Ambry internal data). This amino acid position is highly conserved in available vertebrate species. This missense alteration is located in a region that has a low rate of benign missense variation (Lek, 2016; Firth, 2009). Functional studies suggest that the p.R844C alteration produced functional NMDA receptors with agonist Imax values and glycine affinity similar to wild-type receptors and therefore, that this alteration may impact NMDA receptor function through other mechanisms; however, additional evidence is needed to confirm these findings (Lemke, 2016). The in silico prediction for this alteration is inconclusive. Based on the available evidence, this alteration is classified as pathogenic.

Labcorp Genetics (formerly Invitae), Labcorp
Classification: Pathogenic for Neurodevelopmental disorder with or without hyperkinetic movements and seizures, autosomal dominant. Last evaluated: 2025-08-04. Review status: criteria provided, single submitter. Criteria: Invitae Variant Classification Sherloc (09022015). Collection method: clinical testing. Allele origin: germline.
Comment: This sequence change replaces arginine, which is basic and polar, with cysteine, which is neutral and slightly polar, at codon 844 of the GRIN1 protein (p.Arg844Cys). This variant is not present in population databases (gnomAD no frequency). This missense change has been observed in individual(s) with epileptic encephalopathy (PMID: 27159321, 27164704, 30776697). In at least one individual the variant was observed to be de novo. This variant is also known as c.2593C>T (p.Arg865Cys). ClinVar contains an entry for this variant (Variation ID: 521354). Invitae Evidence Modeling of protein sequence and biophysical properties (such as structural, functional, and spatial information, amino acid conservation, physicochemical variation, residue mobility, and thermodynamic stability) indicates that this missense variant is expected to disrupt GRIN1 protein function with a positive predictive value of 95%. Experimental studies are conflicting or provide insufficient evidence to determine the effect of this variant on GRIN1 function (PMID: 27164704). For these reasons, this variant has been classified as Pathogenic.

Center of Human Genetics, Hôpital Erasme
Classification: Likely pathogenic for Neurodevelopmental disorder with or without hyperkinetic movements and seizures, autosomal dominant. Last evaluated: 2025-01-01. Review status: criteria provided, single submitter. Criteria: ACMG Guidelines, 2015. Collection method: clinical testing. Allele origin: de novo. Affected: yes.

Department of Clinical Genetics, Copenhagen University Hospital, Rigshospitalet
Classification: Pathogenic for Neurodevelopmental disorder with or without hyperkinetic movements and seizures, autosomal dominant. Last evaluated: 2024-05-09. Review status: criteria provided, single submitter. Criteria: ACMG Guidelines, 2015. Collection method: clinical testing. Allele origin: germline.
Comment: PS2_Str, PS3_M, PP3_Sup, PM2_Sup, PP2_Sup, PM5_Sup

GeneDx
Classification: Pathogenic. Last evaluated: 2022-12-12. Review status: criteria provided, single submitter. Criteria: GeneDx Variant Classification Process June 2021. Collection method: clinical testing. Allele origin: germline. Affected: yes.
Comment: Published functional studies demonstrate a damaging effect (increased and prolonged calcium influx in cortical neurons) (Furuse et al., 2010); Not observed at significant frequency in large population cohorts (gnomAD); In silico analysis supports that this missense variant has a deleterious effect on protein structure/function; This variant is associated with the following publications: (PMID: 30776697, 27159321, 27164704, 20345915, 23688147, 30945278, 29124671)

Unidad de Genómica Garrahan, Hospital de Pediatría Garrahan
Classification: Pathogenic for Neurodevelopmental disorder with or without hyperkinetic movements and seizures, autosomal dominant. Last evaluated: 2022-12-06. Review status: criteria provided, single submitter. Criteria: ACMG Guidelines, 2015. Collection method: clinical testing. Allele origin: germline. Inheritance: Autosomal dominant inheritance. Affected: yes. Observed: 1 variant allele.
Comment: This sequence change replaces arginine with cysteine at codon 865 of the GRIN1 protein (p.Arg865Cys), in exon 19. The arginine residue is highly conserved and there is a large physicochemical difference between arginine and cysteine. This variant is not present in population databases (Genome Aggregation Database). This variant has been previously reported in the literature related to the same phenotype as our patient (PMID: 27164704, 30776697, 30945278) and at the time ClinVar contains an entry with 8 pathogenic or likely pathogenic submissiones (Variation ID: 521354). This variant is also known as NM_007327.4:c.2530C>T;(p.Arg844Cys) in the literature. The variant is located in the Ca2+-calmodulin-binding domain, which is a well-established functional domain of the GRIN1 protein. In silico predictors (SIFT, Mutation Taster) suggest that this variant is likely to be disruptive and causative of disease. Therefore, there is sufficient evidence to classify the p.Arg865Cys variant as pathogenic for autosomal dominant GRIN1-associated neurodevelopmental disorder according to the ACMG guidelines (PS3, PM1, PM2, PP2, PP3, PP4).

Diagnostic Laboratory, Strasbourg University Hospital
Classification: Likely pathogenic for Intellectual disability. Last evaluated: 2020-09-10. Review status: criteria provided, single submitter. Criteria: ACMG Guidelines, 2015. Collection method: clinical testing. Allele origin: de novo. Affected: yes. Observed: 1 heterozygote.

Genomic Research Center, Shahid Beheshti University of Medical Sciences
Classification: Likely pathogenic for Neurodevelopmental disorder with or without hyperkinetic movements and seizures, autosomal dominant. Last evaluated: 2020-05-03. Review status: criteria provided, single submitter. Criteria: ACMG Guidelines, 2015. Collection method: clinical testing. Allele origin: unknown. Affected: yes.

Cambridge Genomics Laboratory, East Genomic Laboratory Hub, NHS Genomic Medicine Service
Classification: Likely pathogenic for Intellectual disability. Last evaluated: 2019-09-11. Review status: criteria provided, single submitter. Criteria: ACGS Best Practice Guidelines for Variant Classification in Rare Disease 2020. Collection method: clinical testing. Allele origin: germline. Affected: yes. Observed: 1 variant allele.

Fulgent Genetics
Classification: Likely pathogenic for Neurodevelopmental disorder with or without hyperkinetic movements and seizures, autosomal dominant; Neurodevelopmental disorder with or without hyperkinetic movements and seizures, autosomal recessive. Last evaluated: 2018-10-31. Review status: criteria provided, single submitter. Criteria: ACMG Guidelines, 2015. Collection method: clinical testing. Allele origin: unknown.

Eurofins Ntd Llc (ga)
Classification: Likely pathogenic. Last evaluated: 2018-04-23. Review status: criteria provided, single submitter. Criteria: EGL ClinVar v180209 classification definitions. Collection method: clinical testing. Allele origin: germline.

Clinical Genomics Laboratory, Stanford Medicine
Classification: Pathogenic for Neurodevelopmental disorder with or without hyperkinetic movements and seizures, autosomal dominant. Last evaluated: 2019-05-29. Review status: no assertion criteria provided. Collection method: clinical testing. Allele origin: germline. Inheritance: Autosomal dominant inheritance. Affected: yes. Not counted in ClinVar's aggregate classification.
Comment: The p.Arg844Cys variant in the GRIN1 gene has been previously reported de novo in 4 individuals with features consistent with GRIN1-associated neurodevelopmental disorder (Lemke et al., 2016; Vanderver et al., 2016; Wang et al., 2019). This variant was absent from large population databases, including the Genome Aggregation Database. The GRIN1 gene has fewer missense variants in the general population than expected. A low rate of missense variation may suggest that this gene is intolerant to missense variation. Computational tools predict that the p.Arg844Cys is deleterious; however, the accuracy of in silico algorithms is limited. These data were assessed using the ACMG/AMP variant interpretation guidelines. In summary, there is sufficient evidence to classify the p.Arg844Cys variant as pathogenic for autosomal dominant GRIN1-associated neurodevelopmental disorder based on the information above. [ACMG evidence codes used: PS2_VeryStrong; PM2; PP2; PP3]

Literature cited by the submitters: PubMed 27159321 (cited by 4 submitters); PubMed 30755392 (cited by 3billion); PubMed 27164704 (cited by 3 submitters); PubMed 30776697 (cited by Labcorp Genetics (formerly Invitae), Labcorp).

NM_007327.4(GRIN1):c.2530C>T (p.Arg844Cys)

Gene: GRIN1 (glutamate ionotropic receptor NMDA type subunit 1; plus strand). Cytogenetic location: 9q34.3.
Variant type: single nucleotide variant.
Coding change: c.2530C>T on transcript NM_007327.4 (MANE Select); coding-DNA position 2530, C replaced by T.
Protein change: p.Arg844Cys; replaces arginine 844 with cysteine.
Molecular consequence: missense variant.
Genome position (GRCh38, 1-based): chr9:137,163,845, C>T. VCF-style: chr9-137163845-C-T. GRCh37 (hg19) VCF-style: chr9-140058297-C-T.
Other names: NM_007327.4:c.2530C>T; NP_001172019.1:p.(Arg865Cys); c.2530C>T, p.Arg844Cys (NM_000832.7, NM_021569.4); c.2593C>T, p.Arg865Cys (NM_001185090.2, NM_001185091.2); short protein forms R844C, R865C.
Identifiers: ClinVar variation 521354 (VCV000521354.30), dbSNP rs1554770667, ClinGen allele CA375726767.